The following is an entry in ClinVar:

ClinVar aggregate classification (germline): Uncertain significance (1 of 4 stars; one submission).

Conditions:
Hyperkalemic periodic paralysis. Also called: Familial hyperkalemic periodic paralysis; Gamstorp disease. Identifiers: Orphanet 682, MedGen C0238357, MONDO:0008224, OMIM 170500, HP:0007215.

gnomAD v4.1: 1 of 1,558,652 alleles (0.000064%); highest among the groups gnomAD compares: Middle Eastern, 0.017%; no homozygotes.

Submission:

Labcorp Genetics (formerly Invitae), Labcorp
Classification: Uncertain significance for Hyperkalemic periodic paralysis. Last evaluated: 2025-05-04. Review status: criteria provided, single submitter. Criteria: Invitae Variant Classification Sherloc (09022015). Collection method: clinical testing. Allele origin: germline.
Comment: This sequence change replaces valine, which is neutral and non-polar, with alanine, which is neutral and non-polar, at codon 210 of the SCN4A protein (p.Val210Ala). This variant is not present in population databases (gnomAD no frequency). This variant has not been reported in the literature in individuals affected with SCN4A-related conditions. Invitae Evidence Modeling of protein sequence and biophysical properties (such as structural, functional, and spatial information, amino acid conservation, physicochemical variation, residue mobility, and thermodynamic stability) has been performed for this missense variant. However, the output from this modeling did not meet the statistical confidence thresholds required to predict the impact of this variant on SCN4A protein function. In summary, the available evidence is currently insufficient to determine the role of this variant in disease. Therefore, it has been classified as a Variant of Uncertain Significance.

NM_000334.4(SCN4A):c.629T>C (p.Val210Ala)

Gene: SCN4A (sodium voltage-gated channel alpha subunit 4; minus strand). Cytogenetic location: 17q23.3.
Variant type: single nucleotide variant.
Coding change: c.629T>C on transcript NM_000334.4 (MANE Select); coding-DNA position 629, T replaced by C.
Protein change: p.Val210Ala; replaces valine 210 with alanine.
Molecular consequence: missense variant.
Genome position (GRCh38, 1-based): chr17:63,971,236, A>G on the plus strand (T>C on the coding strand, the complement: SCN4A is on the minus strand). VCF-style: chr17-63971236-A-G. GRCh37 (hg19) VCF-style: chr17-62048596-A-G.
Other names: short protein forms V210A.
Identifiers: ClinVar variation 4747014 (VCV004747014.1).